The following is an entry in ClinVar:

ClinVar aggregate classification (germline): Uncertain significance. Review status: criteria provided, multiple submitters, no conflicts (2 of 4 stars). 2 submissions from 2 submitters: Uncertain significance (2). Last evaluated 2025-05-27.

Allele frequency attached by ClinVar (database versions not stated): gnomAD 0.00001; gnomAD exomes 0.00001; TOPMed 0.00001.
gnomAD v4.1: 15 of 1,613,982 alleles (0.00093%); highest among the groups gnomAD compares: African/African-American, 0.0013%; no homozygotes.

Submissions (2):

Labcorp Genetics (formerly Invitae), Labcorp
Classification: Uncertain significance. Last evaluated: 2025-05-27. Review status: criteria provided, single submitter. Criteria: Invitae Variant Classification Sherloc (09022015). Collection method: clinical testing. Allele origin: germline.
Comment: This sequence change replaces leucine, which is neutral and non-polar, with phenylalanine, which is neutral and non-polar, at codon 91 of the POLG2 protein (p.Leu91Phe). This variant is not present in population databases (gnomAD no frequency). This variant has not been reported in the literature in individuals affected with POLG2-related conditions. ClinVar contains an entry for this variant (Variation ID: 1205516). An algorithm developed to predict the effect of missense changes on protein structure and function (PolyPhen-2) suggests that this variant is likely to be disruptive. In summary, the available evidence is currently insufficient to determine the role of this variant in disease. Therefore, it has been classified as a Variant of Uncertain Significance.

GeneDx
Classification: Uncertain significance. Last evaluated: 2019-08-29. Review status: criteria provided, single submitter. Criteria: GeneDx Variant Classification Process June 2021. Collection method: clinical testing. Allele origin: germline. Affected: yes.
Comment: Not observed in large population cohorts (Lek et al., 2016); In silico analysis, which includes protein predictors and evolutionary conservation, supports that this variant does not alter protein structure/function; Has not been previously published as pathogenic or benign to our knowledge

NM_007215.4(POLG2):c.271C>T (p.Leu91Phe)

Genes: MILR1 (mast cell immunoglobulin like receptor 1; plus strand), POLG2 (DNA polymerase gamma 2, accessory subunit; minus strand). Cytogenetic location: 17q23.3.
Variant type: single nucleotide variant.
Coding change: c.271C>T on transcript NM_007215.4 (MANE Select); coding-DNA position 271, C replaced by T.
Protein change: p.Leu91Phe; replaces leucine 91 with phenylalanine.
Molecular consequence: missense variant.
Genome position (GRCh38, 1-based): chr17:64,496,698, G>A on the plus strand (C>T on the coding strand, the complement: POLG2 is on the minus strand). VCF-style: chr17-64496698-G-A. GRCh37 (hg19) VCF-style: chr17-62492816-G-A.
Other names: short protein forms L91F.
Identifiers: ClinVar variation 1205516 (VCV001205516.8), dbSNP rs2038158699, ClinGen allele CA400641280.